The following is an entry in ClinVar:

ClinVar aggregate classification (germline): Uncertain significance (1 of 4 stars; one submission).

Submission:

Labcorp Genetics (formerly Invitae), Labcorp
Classification: Uncertain significance. Last evaluated: 2022-06-15. Review status: criteria provided, single submitter. Criteria: Invitae Variant Classification Sherloc (09022015). Collection method: clinical testing. Allele origin: germline.
Comment: In summary, the available evidence is currently insufficient to determine the role of this variant in disease. Therefore, it has been classified as a Variant of Uncertain Significance. Algorithms developed to predict the effect of missense changes on protein structure and function are either unavailable or do not agree on the potential impact of this missense change (SIFT: "Tolerated"; PolyPhen-2: "Possibly Damaging"; Align-GVGD: "Class C0"). This variant has not been reported in the literature in individuals affected with APC2-related conditions. This variant is not present in population databases (gnomAD no frequency). This sequence change replaces leucine, which is neutral and non-polar, with valine, which is neutral and non-polar, at codon 1972 of the APC2 protein (p.Leu1972Val).

NM_005883.3(APC2):c.5914C>G (p.Leu1972Val)

Gene: APC2 (APC regulator of Wnt signaling pathway 2; plus strand). Cytogenetic location: 19p13.3.
Variant type: single nucleotide variant.
Coding change: c.5914C>G on transcript NM_005883.3 (MANE Select); coding-DNA position 5914, C replaced by G.
Protein change: p.Leu1972Val; replaces leucine 1972 with valine.
Molecular consequence: missense variant.
Genome position (GRCh38, 1-based): chr19:1,469,215, C>G. VCF-style: chr19-1469215-C-G. GRCh37 (hg19) VCF-style: chr19-1469214-C-G.
Other names: c.5911C>G, p.Leu1971Val (NM_001351273.1); short protein forms L1971V, L1972V.
Identifiers: ClinVar variation 1978771 (VCV001978771.4), dbSNP rs2084086136, ClinGen allele CA403042163.